The following is an entry in ClinVar:

NM_002972.4(SBF1):c.5407C>T (p.Pro1803Ser)

Gene: SBF1 (SET binding factor 1; minus strand). Cytogenetic location: 22q13.33.
Variant type: single nucleotide variant.
Coding change: c.5407C>T on transcript NM_002972.4 (MANE Select); coding-DNA position 5407, C replaced by T.
Protein change: p.Pro1803Ser; replaces proline 1803 with serine.
Molecular consequence: missense variant.
Genome position (GRCh38, 1-based): chr22:50,447,566, G>A on the plus strand (C>T on the coding strand, the complement: SBF1 is on the minus strand). VCF-style: chr22-50447566-G-A. GRCh37 (hg19) VCF-style: chr22-50885995-G-A.
Other names: c.5332C>T, p.Pro1778Ser (NM_001365819.1); c.5407C>T (NM_002972.2); short protein forms P1778S, P1803S.
Identifiers: ClinVar variation 1430495 (VCV001430495.9), dbSNP rs2148550076, ClinGen allele CA412184983.

ClinVar aggregate classification (germline): Uncertain significance. Review status: criteria provided, multiple submitters, no conflicts (2 of 4 stars). 2 submissions from 2 submitters: Uncertain significance (2). Last evaluated 2022-12-14.

gnomAD v4.1: 4 of 1,613,086 alleles (0.00025%); highest among the groups gnomAD compares: Non-Finnish European, 0.00034%; no homozygotes.

Submissions (2):

Ambry Genetics
Classification: Uncertain significance. Last evaluated: 2022-12-14. Review status: criteria provided, single submitter. Criteria: Ambry Variant Classification Scheme 2023. Collection method: clinical testing. Allele origin: germline.

Labcorp Genetics (formerly Invitae), Labcorp
Classification: Uncertain significance. Last evaluated: 2021-05-30. Review status: criteria provided, single submitter. Criteria: Invitae Variant Classification Sherloc (09022015). Collection method: clinical testing. Allele origin: germline.
Comment: In summary, the available evidence is currently insufficient to determine the role of this variant in disease. Therefore, it has been classified as a Variant of Uncertain Significance. Algorithms developed to predict the effect of missense changes on protein structure and function (SIFT, PolyPhen-2, Align-GVGD) all suggest that this variant is likely to be tolerated, but these predictions have not been confirmed by published functional studies and their clinical significance is uncertain. This variant has not been reported in the literature in individuals with SBF1-related conditions. This variant is not present in population databases (ExAC no frequency). This sequence change replaces proline with serine at codon 1803 of the SBF1 protein (p.Pro1803Ser). The proline residue is moderately conserved and there is a moderate physicochemical difference between proline and serine.